The following is an entry in ClinVar:

NM_003906.5(MCM3AP):c.1289C>T (p.Ser430Phe)

Gene: MCM3AP (minichromosome maintenance complex component 3 associated protein; minus strand). Cytogenetic location: 21q22.3.
Variant type: single nucleotide variant.
Coding change: c.1289C>T on transcript NM_003906.5 (MANE Select); coding-DNA position 1289, C replaced by T.
Protein change: p.Ser430Phe; replaces serine 430 with phenylalanine.
Molecular consequence: missense variant.
Genome position (GRCh38, 1-based): chr21:46,283,769, G>A on the plus strand (C>T on the coding strand, the complement: MCM3AP is on the minus strand). VCF-style: chr21-46283769-G-A. GRCh37 (hg19) VCF-style: chr21-47703683-G-A.
Other names: c.1289C>T (NM_003906.4, NM_003906.3); short protein forms S430F.
Identifiers: ClinVar variation 2150447 (VCV002150447.3), dbSNP rs774563503, ClinGen allele CA10077125.

ClinVar aggregate classification (germline): Uncertain significance. Review status: criteria provided, multiple submitters, no conflicts (2 of 4 stars). 3 submissions from 3 submitters: Uncertain significance (3). Last evaluated 2024-04-24.

Conditions:
Inborn genetic diseases. Identifiers: MedGen C0950123, MeSH D030342.

Allele frequency attached by ClinVar (database versions not stated): ExAC 0.00002; gnomAD exomes 0.00002.

Submissions (3):

Ambry Genetics
Classification: Uncertain significance for Inborn genetic diseases. Last evaluated: 2024-04-24. Review status: criteria provided, single submitter. Criteria: Ambry Variant Classification Scheme 2023. Collection method: clinical testing. Allele origin: germline.

GeneDx
Classification: Uncertain significance. Last evaluated: 2023-11-18. Review status: criteria provided, single submitter. Criteria: GeneDx Variant Classification Process June 2021. Collection method: clinical testing. Allele origin: germline. Affected: yes.
Comment: In silico analysis supports that this missense variant does not alter protein structure/function; Has not been previously published as pathogenic or benign to our knowledge

Labcorp Genetics (formerly Invitae), Labcorp
Classification: Uncertain significance. Last evaluated: 2022-02-21. Review status: criteria provided, single submitter. Criteria: Invitae Variant Classification Sherloc (09022015). Collection method: clinical testing. Allele origin: germline.
Comment: This sequence change replaces serine, which is neutral and polar, with phenylalanine, which is neutral and non-polar, at codon 430 of the MCM3AP protein (p.Ser430Phe). This variant is present in population databases (rs774563503, gnomAD 0.02%). This variant has not been reported in the literature in individuals affected with MCM3AP-related conditions. Algorithms developed to predict the effect of missense changes on protein structure and function are either unavailable or do not agree on the potential impact of this missense change (SIFT: "Deleterious"; PolyPhen-2: "Probably Damaging"; Align-GVGD: "Class C0"). In summary, the available evidence is currently insufficient to determine the role of this variant in disease. Therefore, it has been classified as a Variant of Uncertain Significance.